The following is an entry in ClinVar:

ClinVar aggregate classification (germline): Uncertain significance. Review status: criteria provided, multiple submitters, no conflicts (2 of 4 stars). 4 submissions from 4 submitters: Uncertain significance (4). Last evaluated 2025-12-21.

Conditions:
Hypertrophic cardiomyopathy 26. Also called: Cardiomyopathy, familial hypertrophic, 26. Identifiers: Orphanet 75249, MedGen C4310749, MONDO:0014883, OMIM 617047.
Myofibrillar myopathy 5. Also called: FILAMINOPATHY, AUTOSOMAL DOMINANT; Filaminopathy (type). Identifiers: Orphanet 171445, MedGen C1836050, MONDO:0012289, OMIM 609524.
Distal myopathy with posterior leg and anterior hand involvement. Also called: WILLIAMS DISTAL MYOPATHY. Identifiers: Orphanet 63273, MedGen C3279722, MONDO:0013550, OMIM 614065.
Cardiovascular phenotype. Identifiers: MedGen CN230736.

gnomAD v4.1: 7 of 1,614,150 alleles (0.00043%); highest among the groups gnomAD compares: East Asian, 0.013%; no homozygotes.

Submissions (4):

Labcorp Genetics (formerly Invitae), Labcorp
Classification: Uncertain significance for Distal myopathy with posterior leg and anterior hand involvement; Myofibrillar myopathy 5; Hypertrophic cardiomyopathy 26. Last evaluated: 2025-12-21. Review status: criteria provided, single submitter. Criteria: Invitae Variant Classification Sherloc (09022015). Collection method: clinical testing. Allele origin: germline.
Comment: This sequence change replaces valine, which is neutral and non-polar, with leucine, which is neutral and non-polar, at codon 684 of the FLNC protein (p.Val684Leu). This variant is present in population databases (rs769221710, gnomAD 0.01%). This missense change has been observed in individual(s) with hypertrophic cardiomyopathy (PMID: 30411535). ClinVar contains an entry for this variant (Variation ID: 1466077). Invitae Evidence Modeling of protein sequence and biophysical properties (such as structural, functional, and spatial information, amino acid conservation, physicochemical variation, residue mobility, and thermodynamic stability) has been performed for this missense variant. However, the output from this modeling did not meet the statistical confidence thresholds required to predict the impact of this variant on FLNC protein function. In summary, the available evidence is currently insufficient to determine the role of this variant in disease. Therefore, it has been classified as a Variant of Uncertain Significance.

Molecular Diagnostic Laboratory for Inherited Cardiovascular Disease, Montreal Heart Institute
Classification: Uncertain significance for Cardiovascular phenotype. Last evaluated: 2025-04-09. Review status: criteria provided, single submitter. Criteria: ACMG Guidelines, 2015. Collection method: clinical testing. Allele origin: germline. Affected: yes.

ARUP Laboratories, Molecular Genetics and Genomics, ARUP Laboratories
Classification: Uncertain significance. Last evaluated: 2023-11-09. Review status: criteria provided, single submitter. Criteria: ARUP Molecular Germline Variant Investigation Process 2024. Collection method: clinical testing. Allele origin: germline.
Comment: The FLNC c.2050G>C; p.Val684Leu variant (rs769221710) is reported in the literature in one individual affected with hypertrophic cardiomyopathy (Cui 2018). This variant is also reported in ClinVar (Variation ID: 1466077). This variant is only observed on four alleles in the Genome Aggregation Database (v2.1.1), indicating it is not a common polymorphism. Computational analyses are uncertain whether this variant is neutral or deleterious (REVEL: 0.547). Due to limited information, the clinical significance of this variant is uncertain at this time. References: Cui H et al. Mutation profile of FLNC gene and its prognostic relevance in patients with hypertrophic cardiomyopathy. Mol Genet Genomic Med. 2018 Nov;6(6):1104-1113. PMID: 30411535.

Ambry Genetics
Classification: Uncertain significance for Cardiovascular phenotype. Last evaluated: 2020-02-21. Review status: criteria provided, single submitter. Criteria: Ambry Variant Classification Scheme 2023. Collection method: clinical testing. Allele origin: germline.
Comment: The p.V684L variant (also known as c.2050G>C), located in coding exon 13 of the FLNC gene, results from a G to C substitution at nucleotide position 2050. The valine at codon 684 is replaced by leucine, an amino acid with highly similar properties. This variant was reported in a hypertrophic cardiomyopathy cohort; however, clinical details were limited (Cui H et al. Mol Genet Genomic Med, 2018 11;6:1104-1113). This amino acid position is highly conserved in available vertebrate species. In addition, the in silico prediction for this alteration is inconclusive. Since supporting evidence is limited at this time, the clinical significance of this alteration remains unclear.

Literature cited by the submitters: PubMed 30411535 (cited by Labcorp Genetics (formerly Invitae), Labcorp and Ambry Genetics).

NM_001458.5(FLNC):c.2050G>C (p.Val684Leu)

Gene: FLNC (filamin C; plus strand). Cytogenetic location: 7q32.1.
Variant type: single nucleotide variant.
Coding change: c.2050G>C on transcript NM_001458.5 (MANE Select); coding-DNA position 2050, G replaced by C.
Protein change: p.Val684Leu; replaces valine 684 with leucine.
Molecular consequence: missense variant.
Genome position (GRCh38, 1-based): chr7:128,841,496, G>C. VCF-style: chr7-128841496-G-C. GRCh37 (hg19) VCF-style: chr7-128481550-G-C.
Other names: c.2050G>C, p.Val684Leu (NM_001127487.2); short protein forms V684L.
Identifiers: ClinVar variation 1466077 (VCV001466077.8), dbSNP rs769221710, ClinGen allele CA4474575.
Genomic context (GRCh38, chr7:128,841,496, plus strand): 5'-CTTCTTCCCTCCGCACAGGTGAAGGCCTTTGGGCCTGGCCTGGAGCCTACCGGCTGCATC[G>C]TGGACAAGCCCGCTGAGTTCACCATTGATGCTCGTGCAGCTGGCAAGGGAGACCTGAAGC-3'
Protein context (NP_001449.3, residues 674-694): GPGLEPTGCI[Val684Leu]DKPAEFTIDA